The following is an entry in ClinVar:

NM_006445.4(PRPF8):c.6178A>G (p.Ser2060Gly)

Gene: PRPF8 (pre-mRNA processing factor 8; minus strand). Cytogenetic location: 17p13.3.
Variant type: single nucleotide variant.
Coding change: c.6178A>G on transcript NM_006445.4 (MANE Select); coding-DNA position 6178, A replaced by G.
Protein change: p.Ser2060Gly; replaces serine 2060 with glycine.
Molecular consequence: missense variant.
Genome position (GRCh38, 1-based): chr17:1,653,826, T>C on the plus strand (A>G on the coding strand, the complement: PRPF8 is on the minus strand). VCF-style: chr17-1653826-T-C. GRCh37 (hg19) VCF-style: chr17-1557120-T-C.
Other names: short protein forms S2060G.
Identifiers: ClinVar variation 2430910 (VCV002430910.1), dbSNP rs2543717453, ClinGen allele CA397567134.

ClinVar aggregate classification (germline): Uncertain significance (1 of 4 stars; one submission).

Submission:

GeneDx
Classification: Uncertain significance. Last evaluated: 2022-08-16. Review status: criteria provided, single submitter. Criteria: GeneDx Variant Classification Process June 2021. Collection method: clinical testing. Allele origin: germline. Affected: yes.
Comment: Not observed at significant frequency in large population cohorts (gnomAD); In silico analysis supports that this missense variant has a deleterious effect on protein structure/function; Has not been previously published as pathogenic or benign to our knowledge